The following is an entry in ClinVar:

ClinVar aggregate classification (germline): Uncertain significance. Review status: criteria provided, multiple submitters, no conflicts (2 of 4 stars). 3 submissions from 3 submitters: Uncertain significance (3). Last evaluated 2024-08-27.

Conditions:
DICER1-related tumor predisposition. Also called: DICER1 syndrome; DICER1-related pleuropulmonary blastoma cancer predisposition syndrome. Identifiers: Orphanet 284343, MedGen C3839822, MONDO:0100216.
Hereditary cancer-predisposing syndrome. Also called: Neoplastic Syndromes, Hereditary; Hereditary neoplastic syndrome; Tumor predisposition; Hereditary Cancer Syndrome. Identifiers: Orphanet 140162, MedGen C0027672, MeSH D009386, MONDO:0015356.

Allele frequency attached by ClinVar (database versions not stated): gnomAD exomes below 0.00001; ExAC 0.00001.
gnomAD v4.1: 2 of 1,614,142 alleles (0.00012%); highest among the groups gnomAD compares: Non-Finnish European, 0.000085%; no homozygotes.

Submissions (3):

Labcorp Genetics (formerly Invitae), Labcorp
Classification: Uncertain significance for DICER1-related tumor predisposition. Last evaluated: 2024-08-27. Review status: criteria provided, single submitter. Criteria: Invitae Variant Classification Sherloc (09022015). Collection method: clinical testing. Allele origin: germline.
Comment: This sequence change replaces isoleucine, which is neutral and non-polar, with valine, which is neutral and non-polar, at codon 1057 of the DICER1 protein (p.Ile1057Val). This variant is present in population databases (rs769846317, gnomAD 0.0009%). This variant has not been reported in the literature in individuals affected with DICER1-related conditions. ClinVar contains an entry for this variant (Variation ID: 661957). Invitae Evidence Modeling of protein sequence and biophysical properties (such as structural, functional, and spatial information, amino acid conservation, physicochemical variation, residue mobility, and thermodynamic stability) indicates that this missense variant is not expected to disrupt DICER1 protein function with a negative predictive value of 80%. In summary, the available evidence is currently insufficient to determine the role of this variant in disease. Therefore, it has been classified as a Variant of Uncertain Significance.

Ambry Genetics
Classification: Uncertain significance for Hereditary cancer-predisposing syndrome. Last evaluated: 2023-11-20. Review status: criteria provided, single submitter. Criteria: Ambry Variant Classification Scheme 2023. Collection method: clinical testing. Allele origin: germline.
Comment: The p.I1057V variant (also known as c.3169A>G), located in coding exon 19 of the DICER1 gene, results from an A to G substitution at nucleotide position 3169. The isoleucine at codon 1057 is replaced by valine, an amino acid with highly similar properties. This amino acid position is highly conserved in available vertebrate species. In addition, this alteration is predicted to be tolerated by in silico analysis. Since supporting evidence is limited at this time, the clinical significance of this alteration remains unclear.

Sema4
Classification: Uncertain significance for Hereditary cancer-predisposing syndrome. Last evaluated: 2021-12-13. Review status: criteria provided, single submitter. Criteria: Sema4 Curation Guidelines. Collection method: curation. Allele origin: germline.
Comment: To the best of our knowledge, the DICER1 c.3169A>G (p.I1057V) variant has not been reported in individuals with DICER1-related disease. It was observed in 1/113724 chromosomes of the Non-Finnish European subpopulation in the large and broad cohorts of the Genome Aggregation Database (PMID: 32461654). The variant has been reported in ClinVar (Variation ID 661957). Functional studies have not been performed, and in silico predictions of the variant's effect on protein function are inconclusive. The evidence is insufficient to meet ACMG/AMP criteria for classifying the variant as benign or pathogenic. Thus, the clinical significance of this variant is currently uncertain.

NM_177438.3(DICER1):c.3169A>G (p.Ile1057Val)

Gene: DICER1 (dicer 1, ribonuclease III; minus strand). Cytogenetic location: 14q32.13.
Variant type: single nucleotide variant.
Coding change: c.3169A>G on transcript NM_177438.3 (MANE Select); coding-DNA position 3169, A replaced by G.
Protein change: p.Ile1057Val; replaces isoleucine 1057 with valine.
Molecular consequence: missense variant.
Genome position (GRCh38, 1-based): chr14:95,105,171, T>C on the plus strand (A>G on the coding strand, the complement: DICER1 is on the minus strand). VCF-style: chr14-95105171-T-C. GRCh37 (hg19) VCF-style: chr14-95571508-T-C.
Other names: c.3169A>G, p.Ile1057Val (NM_001195573.1, NM_001271282.3, NM_001291628.2 and 1 more transcripts); short protein forms I1057V.
Identifiers: ClinVar variation 661957 (VCV000661957.12), dbSNP rs769846317, ClinGen allele CA7331089.
Genomic context (GRCh38, chr14:95,105,171, plus strand): 5'-CGCTGGCAGTCTGGGCTCTTAGCTCCTCTGCAGTCAAAAGGCAGTGAAGGCGATAAAGTA[T>C]GCTGGGGAGACAAACAGCTTTTCTCCACAGTGATGCTGGAATTGGATGTATAGCACAGAG-3'
Protein context (NP_803187.1, residues 1047-1067): LWRKAVCLPS[Ile1057Val]LYRLHCLLTA